The following is an entry in ClinVar:

ClinVar aggregate classification (germline): Likely pathogenic (0 of 4 stars; one submission).

Conditions:
Primary dilated cardiomyopathy (DCM). Also called: Dilated Cardiomyopathy. Identifiers: Orphanet 217604, MedGen C0007193, MeSH D002311, MONDO:0005021, HP:0001644. Inheritance: Various modes of inheritance.

Submission:

Laboratory for Molecular Medicine, Mass General Brigham Personalized Medicine
Classification: Likely pathogenic for Primary dilated cardiomyopathy. Last evaluated: 2012-01-27. Review status: no assertion criteria provided. Collection method: clinical testing. Allele origin: germline. Observed: 2 variant alleles.
Comment: The 81493_81493+2del variant (TTN) has not been reported in the literature nor p reviously identified by our laboratory. This 3 base pair deletion removes the la st base of exon 282 and the highly conserved +1 and +2 positions in the 5' splic e site consensus sequence. This is expected to disrupt splicing and lead to abno rmal or absent protein (loss of function). The TTN gene is strongly associated w ith DCM based on the high prevalence of loss-of-function variants (Jon Seidman, pers. comm.). Although the predicted impact to the protein supports that the 814 93_81493+2del variant is likely to be pathogenic, additional data is needed to c onfirm this.

NM_001267550.2(TTN):c.89197_89197+2del

Genes: TTN-AS1 (TTN antisense RNA 1; plus strand), TTN (titin; minus strand). Cytogenetic location: 2q31.2.
Variant type: Deletion.
Coding change: c.89197_89197+2del on transcript NM_001267550.2 (MANE Select); coding-DNA position 89197 through the canonical splice donor site of the intron after coding-DNA position 89197, 3 bases deleted (GGT; older notation c.89197_89197+2delGGT).
Molecular consequence: splice donor variant.
Genome position (GRCh38, 1-based): chr2:178,553,912-178,553,914, ACC deleted on the plus strand (GGT on the coding strand, the reverse complement: TTN is on the minus strand); deleting any 3 consecutive bases within chr2:178,553,912-178,553,915 gives the same sequence; the c. name uses the placement nearest the transcript's 3' end. VCF-style (leftmost placement, unchanged base first): chr2-178553911-TACC-T. GRCh37 (hg19) VCF-style: chr2-179418638-TACC-T.
Other names: c.81493_81493+2delGGT (NM_133378.4); c.62002_62002+2del (NM_003319.4); c.62578_62578+2del (NM_133437.4); c.62377_62377+2del (NM_133432.3); c.81493_81493+2del (NM_133378.4); c.84274_84274+2del (NM_001256850.1).
Identifiers: ClinVar variation 47486 (VCV000047486.5), dbSNP rs397517741, ClinGen allele CA261914.